The following is an entry in ClinVar:

ClinVar aggregate classification (germline): Likely benign. Review status: criteria provided, multiple submitters, no conflicts (2 of 4 stars). 2 submissions from 2 submitters: Likely benign (2). Last evaluated 2025-09-29.

Allele frequency attached by ClinVar (database versions not stated): gnomAD 0.00001; ExAC 0.00002; TOPMed 0.00002; ESP Exome Variant Server 0.00008.
gnomAD v4.1: 10 of 1,614,034 alleles (0.00062%); highest among the groups gnomAD compares: African/African-American, 0.004%; no homozygotes.

Submissions (2):

Labcorp Genetics (formerly Invitae), Labcorp
Classification: Likely benign. Last evaluated: 2025-09-29. Review status: criteria provided, single submitter. Criteria: Invitae Variant Classification Sherloc (09022015). Collection method: clinical testing. Allele origin: germline.

CeGaT Center for Human Genetics Tuebingen
Classification: Likely benign. Last evaluated: 2025-09-01. Review status: criteria provided, single submitter. Criteria: CeGaT Center For Human Genetics Tuebingen Variant Classification Criteria Version 2. Collection method: clinical testing. Allele origin: germline. Affected: yes. Observed: 1 variant allele.
Comment: KATNIP: BP4, BP7

NM_015202.5(KATNIP):c.171C>T (p.Pro57=)

Gene: KATNIP (katanin interacting protein; plus strand). Cytogenetic location: 16p12.1.
Variant type: single nucleotide variant.
Coding change: c.171C>T on transcript NM_015202.5 (MANE Select); coding-DNA position 171, C replaced by T.
Protein change: p.Pro57=; no amino-acid change (proline 57 retained).
Molecular consequence: synonymous variant.
Genome position (GRCh38, 1-based): chr16:27,628,691, C>T. VCF-style: chr16-27628691-C-T. GRCh37 (hg19) VCF-style: chr16-27640012-C-T.
Identifiers: ClinVar variation 2419935 (VCV002419935.14), dbSNP rs376698615, ClinGen allele CA7977241.